The following is an entry in ClinVar:

ClinVar aggregate classification (germline): Likely benign. Review status: criteria provided, single submitter (1 of 4 stars). 2 submissions from 2 submitters: Likely benign (1). 1 of the submissions does not count toward it. Last evaluated 2025-12-21.

Conditions:
Kabuki syndrome. Also called: NIIKAWA-KUROKI SYNDROME; Kabuki make-up syndrome. Identifiers: Orphanet 2322, MedGen C0796004, MONDO:0016512.

Allele frequency attached by ClinVar (database versions not stated): gnomAD 0.00001 and 0.00004; TOPMed 0.00001; gnomAD exomes 0.00003 and 0.00005; ExAC 0.00007.
gnomAD v4.1: 46 of 1,613,894 alleles (0.0029%); highest among the groups gnomAD compares: South Asian, 0.035%; 2 homozygotes.

Submissions (2):

Labcorp Genetics (formerly Invitae), Labcorp
Classification: Likely benign for Kabuki syndrome. Last evaluated: 2025-12-21. Review status: criteria provided, single submitter. Criteria: Invitae Variant Classification Sherloc (09022015). Collection method: clinical testing. Allele origin: germline.

Genetic Services Laboratory, University of Chicago
Classification: Likely benign. Last evaluated: 2022-06-21. Review status: no assertion criteria provided. Collection method: clinical testing. Allele origin: germline. Affected: no. Not counted in ClinVar's aggregate classification.
Comment: DNA sequence analysis of the KMT2D gene demonstrated a sequence change, c.1042C>T, in exon 8 that results in an amino acid change, p.Arg348Cys. This sequence change has been described in the gnomAD database with a frequency of 0.036% in the South Asian subpopulation (dbSNP rs746039927). The p.Arg348Cys change affects a poorly conserved amino acid residue located in a domain of the KMT2D protein that is not known to be functional. In-silico pathogenicity prediction tools (SIFT, PolyPhen2, Align GVGD, REVEL) provide contradictory results for the p.Arg348Cys substitution. This sequence change does not appear to have been previously described in individuals with KMT2D-related disorders. Due to insufficient evidences and the lack of functional studies, the clinical significance of the p.Arg348Cys change remains unknown at this time.

NM_003482.4(KMT2D):c.1042C>T (p.Arg348Cys)

Gene: KMT2D (lysine methyltransferase 2D; minus strand). Cytogenetic location: 12q13.12.
Variant type: single nucleotide variant.
Coding change: c.1042C>T on transcript NM_003482.4 (MANE Select); coding-DNA position 1042, C replaced by T.
Protein change: p.Arg348Cys; replaces arginine 348 with cysteine.
Molecular consequence: missense variant.
Genome position (GRCh38, 1-based): chr12:49,052,985, G>A on the plus strand (C>T on the coding strand, the complement: KMT2D is on the minus strand). VCF-style: chr12-49052985-G-A. GRCh37 (hg19) VCF-style: chr12-49446768-G-A.
Other names: c.1042C>T (NM_003482.3); short protein forms R348C.
Identifiers: ClinVar variation 1576653 (VCV001576653.10), dbSNP rs746039927, ClinGen allele CA6548592.